The following is an entry in ClinVar:

ClinVar aggregate classification (germline): Benign (1 of 4 stars; one submission).

gnomAD v4.1: 5 of 152,250 alleles (0.0033%); highest among the groups gnomAD compares: East Asian, 0.058%; no homozygotes.

Submission:

CeGaT Center for Human Genetics Tuebingen
Classification: Benign. Last evaluated: 2026-01-01. Review status: criteria provided, single submitter. Criteria: CeGaT Center For Human Genetics Tuebingen Variant Classification Criteria Version 2. Collection method: clinical testing. Allele origin: germline. Affected: yes. Observed: 1 variant allele.
Comment: SHANK2: BP4, BS1, BS2

NM_012309.5(SHANK2):c.1108-42990C>T

Gene: SHANK2 (SH3 and multiple ankyrin repeat domains 2; minus strand). Cytogenetic location: 11q13.4.
Variant type: single nucleotide variant.
Coding change: c.1108-42990C>T on transcript NM_012309.5 (MANE Select); 42990 bases into the intron before coding-DNA position 1108, C replaced by T.
Molecular consequence: intron variant.
Genome position (GRCh38, 1-based): chr11:70,939,557, G>A on the plus strand (C>T on the coding strand, the complement: SHANK2 is on the minus strand). VCF-style: chr11-70939557-G-A. GRCh37 (hg19) VCF-style: chr11-70785662-G-A.
Other names: c.1108-42990C>T (NM_001441030.1, NM_001441032.1, NM_001441037.1 and 12 more transcripts); c.1036-42990C>T (NM_001441038.1).
Identifiers: ClinVar variation 4822584 (VCV004822584.4).